The following is an entry in ClinVar:

NM_207037.2(TCF12):c.1807C>T (p.Arg603Trp)

Gene: TCF12 (transcription factor 12; plus strand). Cytogenetic location: 15q21.3.
Variant type: single nucleotide variant.
Coding change: c.1807C>T on transcript NM_207037.2 (MANE Select); coding-DNA position 1807, C replaced by T.
Protein change: p.Arg603Trp; replaces arginine 603 with tryptophan.
Molecular consequence: missense variant.
Genome position (GRCh38, 1-based): chr15:57,273,091, C>T. VCF-style: chr15-57273091-C-T. GRCh37 (hg19) VCF-style: chr15-57565289-C-T.
Other names: c.1297C>T, p.Arg433Trp (NM_001306219.3); c.1027C>T, p.Arg343Trp (NM_001306220.3); c.1807C>T, p.Arg603Trp (NM_001322151.2, NM_001322159.3, NM_001322162.2 and 1 more transcripts); c.1804C>T, p.Arg602Trp (NM_001322152.2, NM_001322161.2); c.1150C>T, p.Arg384Trp (NM_001322154.2); c.1633C>T, p.Arg545Trp (NM_001322156.2); c.1735C>T, p.Arg579Trp (NM_001322157.3, NM_001322165.2, NM_003205.4 and 1 more transcripts); c.1561C>T, p.Arg521Trp (NM_001322158.2); and 3 more; short protein forms R343W, R384W, R409W, R433W, R521W, R545W, R579W, R591W.
Identifiers: ClinVar variation 1192534 (VCV001192534.14), dbSNP rs1191340189, ClinGen allele CA392592019.

ClinVar aggregate classification (germline): Conflicting classifications of pathogenicity. Review status: criteria provided, conflicting classifications (1 of 4 stars). 4 submissions from 4 submitters: Likely pathogenic (1); Uncertain significance (2). 1 of the submissions does not count toward it. Last evaluated 2026-07-29.

Conditions:
Hypogonadotropic hypogonadism 26 with or without anosmia (HH26). Identifiers: MedGen C5676903, MONDO:0030534, OMIM 619718.
TCF12-related craniosynostosis. Also called: Craniosynostosis 3. Identifiers: Orphanet 35098, Orphanet 35099, Orphanet 672979, MedGen C3715051, MONDO:0014128, OMIM 615314.

Allele frequency attached by ClinVar (database versions not stated): gnomAD exomes below 0.00001.
gnomAD v4.1: 2 of 1,614,170 alleles (0.00012%); highest among the groups gnomAD compares: Admixed American, 0.0017%; no homozygotes.

Submissions (4):

GeneDx
Classification: Likely pathogenic. Last evaluated: 2026-07-29. Review status: criteria provided, single submitter. Criteria: GeneDx Variant Classification Process June 2021. Collection method: clinical testing. Allele origin: germline.
Comment: Not observed at significant frequency in large population cohorts (gnomAD); In silico analysis supports that this missense variant has a deleterious effect on protein structure/function; This variant is associated with the following publications: (PMID: 39060747, 38114583, 42443919)

Genomic Medicine Center of Excellence, King Faisal Specialist Hospital and Research Centre
Classification: Uncertain significance for Hypogonadotropic hypogonadism 26 with or without anosmia. Last evaluated: 2024-09-22. Review status: criteria provided, single submitter. Criteria: ACMG Guidelines, 2015. Collection method: clinical testing. Allele origin: germline.

Labcorp Genetics (formerly Invitae), Labcorp
Classification: Uncertain significance. Last evaluated: 2023-12-17. Review status: criteria provided, single submitter. Criteria: Invitae Variant Classification Sherloc (09022015). Collection method: clinical testing. Allele origin: germline.
Comment: This sequence change replaces arginine, which is basic and polar, with tryptophan, which is neutral and slightly polar, at codon 603 of the TCF12 protein (p.Arg603Trp). This variant is present in population databases (no rsID available, gnomAD 0.003%). This missense change has been observed in individual(s) with clinical features of craniosynostosis (Invitae). ClinVar contains an entry for this variant (Variation ID: 1192534). Advanced modeling of protein sequence and biophysical properties (such as structural, functional, and spatial information, amino acid conservation, physicochemical variation, residue mobility, and thermodynamic stability) performed at Invitae indicates that this missense variant is expected to disrupt TCF12 protein function with a positive predictive value of 80%. In summary, the available evidence is currently insufficient to determine the role of this variant in disease. Therefore, it has been classified as a Variant of Uncertain Significance.

Kasturba Medical College, Manipal, Kasturba Medical College, Manipal, Manipal Academy of Higher Education, Manipal, India
Classification: Likely pathogenic for TCF12-related craniosynostosis. Review status: no assertion criteria provided. Collection method: clinical testing. Allele origin: de novo. Inheritance: Autosomal dominant inheritance. Affected: yes. Not counted in ClinVar's aggregate classification.